The following is an entry in ClinVar:

NM_001351661.2(MACROD2):c.1311A>G (p.Gln437=)

Gene: MACROD2 (mono-ADP ribosylhydrolase 2; plus strand). Cytogenetic location: 20p12.1.
Variant type: single nucleotide variant.
Coding change: c.1311A>G on transcript NM_001351661.2 (MANE Select); coding-DNA position 1311, A replaced by G.
Protein change: p.Gln437=; no amino-acid change (glutamine 437 retained).
Molecular consequence: synonymous variant.
Genome position (GRCh38, 1-based): chr20:16,049,840, A>G. VCF-style: chr20-16049840-A-G. GRCh37 (hg19) VCF-style: chr20-16030485-A-G.
Other names: c.1242A>G, p.Gln414= (NM_001033086.1, NM_080676.6); c.606A>G, p.Gln202= (NM_001033087.2); c.1308A>G, p.Gln436= (NM_001351663.2); c.687A>G, p.Gln229= (NM_001351664.2).
Identifiers: ClinVar variation 2652209 (VCV002652209.24), dbSNP rs374569449, ClinGen allele CA9769631.
Genomic context (GRCh38, chr20:16,049,840, plus strand): 5'-GTGAAGATGTCTTATCTTTAATCTAACAAATGGCTTCTCTTTGTCTTCAGCAGGGGCACA[A>G]GATGAAGCGAAGGAACAAAGAAATGGAACTAAATGACAATCCTCAGCATCGCAAGGCCTC-3'
Protein context (NP_001338590.1, residues 427-447): QQEDQLIAGA[Gln437=]DEAKEQRNGT

ClinVar aggregate classification (germline): Likely benign (1 of 4 stars; one submission).

Allele frequency attached by ClinVar (database versions not stated): gnomAD 0.00004; TOPMed 0.00006; ESP Exome Variant Server 0.00008; gnomAD exomes 0.00008; ExAC 0.00009.
gnomAD v4.1: 124 of 1,610,246 alleles (0.0077%); highest among the groups gnomAD compares: Non-Finnish European, 0.0097%; 1 homozygote.

Submission:

CeGaT Center for Human Genetics Tuebingen
Classification: Likely benign. Last evaluated: 2022-07-01. Review status: criteria provided, single submitter. Criteria: CeGaT Center For Human Genetics Tuebingen Variant Classification Criteria Version 2. Collection method: clinical testing. Allele origin: germline. Affected: yes. Observed: 1 variant allele.
Comment: MACROD2: BP4, BP7